The following is an entry in ClinVar:

ClinVar aggregate classification (germline): Uncertain significance (1 of 4 stars; one submission).

Conditions:
Charcot-Marie-Tooth disease type 2. Also called: Charcot-Marie-Tooth type 2. Identifiers: Orphanet 64746, MedGen C0270914, MONDO:0018993.

Allele frequency attached by ClinVar (database versions not stated): gnomAD 0.00001; gnomAD exomes below 0.00001.

Submission:

Labcorp Genetics (formerly Invitae), Labcorp
Classification: Uncertain significance for Charcot-Marie-Tooth disease type 2. Last evaluated: 2023-03-09. Review status: criteria provided, single submitter. Criteria: Invitae Variant Classification Sherloc (09022015). Collection method: clinical testing. Allele origin: germline.
Comment: This sequence change replaces tyrosine, which is neutral and polar, with cysteine, which is neutral and slightly polar, at codon 222 of the AARS protein (p.Tyr222Cys). This variant is present in population databases (no rsID available, gnomAD 0.007%). This variant has not been reported in the literature in individuals affected with AARS-related conditions. ClinVar contains an entry for this variant (Variation ID: 2165307). Advanced modeling of protein sequence and biophysical properties (such as structural, functional, and spatial information, amino acid conservation, physicochemical variation, residue mobility, and thermodynamic stability) has been performed at Invitae for this missense variant, however the output from this modeling did not meet the statistical confidence thresholds required to predict the impact of this variant on AARS protein function. In summary, the available evidence is currently insufficient to determine the role of this variant in disease. Therefore, it has been classified as a Variant of Uncertain Significance.

NM_001605.3(AARS1):c.665A>G (p.Tyr222Cys)

Gene: AARS1 (alanyl-tRNA synthetase 1; minus strand). Cytogenetic location: 16q22.1.
Variant type: single nucleotide variant.
Coding change: c.665A>G on transcript NM_001605.3 (MANE Select); coding-DNA position 665, A replaced by G.
Protein change: p.Tyr222Cys; replaces tyrosine 222 with cysteine.
Molecular consequence: missense variant.
Genome position (GRCh38, 1-based): chr16:70,271,787, T>C on the plus strand (A>G on the coding strand, the complement: AARS1 is on the minus strand). VCF-style: chr16-70271787-T-C. GRCh37 (hg19) VCF-style: chr16-70305690-T-C.
Other names: short protein forms Y222C.
Identifiers: ClinVar variation 2165307 (VCV002165307.4), dbSNP rs1190460134, ClinGen allele CA396566395.